The following is an entry in ClinVar:

ClinVar aggregate classification (germline): Conflicting classifications of pathogenicity. Review status: criteria provided, conflicting classifications (1 of 4 stars). 11 submissions from 11 submitters: Uncertain significance (9); Likely benign (1). 1 of the submissions does not count toward it. Last evaluated 2025-12-22.

Conditions:
MSH6-related disorder. Also called: MSH6-Related disorders; MSH6-related condition.
Lynch syndrome 5 (LYNCH5). Also called: Hereditary non-polyposis colorectal cancer, type 5; Colorectal cancer, hereditary nonpolyposis, type 5. Identifiers: Orphanet 144, MedGen C1833477, MONDO:0013710, OMIM 614350. Disease mechanism: loss of function.
Endometrial carcinoma. Also called: Endometrial carcinoma, somatic. Identifiers: MedGen C0476089, MONDO:0002447, OMIM 608089, HP:0012114.
Mismatch repair cancer syndrome 3. Identifiers: MedGen C5436807, MONDO:0030841, OMIM 619097.
Hereditary cancer-predisposing syndrome. Also called: Hereditary neoplastic syndrome; Hereditary Cancer Syndrome; Neoplastic Syndromes, Hereditary; Tumor predisposition. Identifiers: Orphanet 140162, MedGen C0027672, MeSH D009386, MONDO:0015356.
Hereditary nonpolyposis colorectal neoplasms. Identifiers: MedGen C0009405, MeSH D003123.
Lynch syndrome. Identifiers: Orphanet 144, MedGen C4552100, MONDO:0005835. Disease mechanism: loss of function.

Allele frequency attached by ClinVar (database versions not stated): ExAC 0.00001; 1000 Genomes Project 30x 0.00016; 1000 Genomes Project 0.00020.

Submissions (11):

Labcorp Genetics (formerly Invitae), Labcorp
Classification: Likely benign for Hereditary nonpolyposis colorectal neoplasms. Last evaluated: 2025-12-22. Review status: criteria provided, single submitter. Criteria: Invitae Variant Classification Sherloc (09022015). Collection method: clinical testing. Allele origin: germline.

Ambry Genetics
Classification: Uncertain significance for Hereditary cancer-predisposing syndrome. Last evaluated: 2025-08-23. Review status: criteria provided, single submitter. Criteria: Ambry Variant Classification Scheme 2023. Collection method: clinical testing. Allele origin: germline.
Comment: The p.R577G variant (also known as c.1729C>G), located in coding exon 4 of the MSH6 gene, results from a C to G substitution at nucleotide position 1729. The arginine at codon 577 is replaced by glycine, an amino acid with dissimilar properties. This amino acid position is highly conserved in available vertebrate species. In addition, this alteration is predicted to be deleterious by in silico analysis. Since supporting evidence is limited at this time, the clinical significance of this alteration remains unclear.

GeneDx
Classification: Uncertain significance. Last evaluated: 2025-01-06. Review status: criteria provided, single submitter. Criteria: GeneDx Variant Classification Process June 2021. Collection method: clinical testing. Allele origin: germline. Affected: yes.
Comment: Not observed at significant frequency in large population cohorts (gnomAD); In silico analysis supports that this missense variant has a deleterious effect on protein structure/function; Observed in an individual with a personal history of colorectal cancer (PMID: 25133505); This variant is associated with the following publications: (PMID: 30798936, 28195393, 17531815, 21120944, 25133505)

All of Us Research Program, National Institutes of Health
Classification: Uncertain significance for Lynch syndrome. Last evaluated: 2024-07-29. Review status: criteria provided, single submitter. Criteria: ACMG Guidelines, 2015. Collection method: clinical testing. Allele origin: germline. Inheritance: Autosomal dominant inheritance. Observed: 5 variant alleles, 5 heterozygotes.
Comment: This missense variant replaces arginine with glycine at codon 577 of the MSH6 protein. Computational prediction suggests that this variant may have deleterious impact on protein structure and function (internally defined REVEL score threshold >= 0.7, PMID: 27666373). To our knowledge, functional studies have not been reported for this variant. This variant has been reported in an individual affected with early-onset colorectal cancer (PMID: 25133505). This variant has been identified in 1/250210 chromosomes in the general population by the Genome Aggregation Database (gnomAD). The available evidence is insufficient to determine the role of this variant in disease conclusively. Therefore, this variant is classified as a Variant of Uncertain Significance.

This study involves interpretation of variants in research participants for the purpose of population health screening. Participant phenotype was not available at the time of variant classification. Additional details can be found in publication PMID: 35346344, PMCID: PMC8962531

Color Diagnostics, LLC DBA Color Health
Classification: Uncertain significance for Hereditary cancer-predisposing syndrome. Last evaluated: 2024-04-18. Review status: criteria provided, single submitter. Criteria: ACMG Guidelines, 2015. Collection method: clinical testing. Allele origin: germline.
Comment: This missense variant replaces arginine with glycine at codon 577 of the MSH6 protein. Computational prediction suggests that this variant may have deleterious impact on protein structure and function (internally defined REVEL score threshold >= 0.7, PMID: 27666373). To our knowledge, functional studies have not been reported for this variant. This variant has been reported in an individual affected with early-onset colorectal cancer (PMID: 25133505). This variant has been identified in 1/250210 chromosomes in the general population by the Genome Aggregation Database (gnomAD). The available evidence is insufficient to determine the role of this variant in disease conclusively. Therefore, this variant is classified as a Variant of Uncertain Significance.

Fulgent Genetics
Classification: Uncertain significance for Endometrial carcinoma; Lynch syndrome 5; Mismatch repair cancer syndrome 3. Last evaluated: 2024-04-04. Review status: criteria provided, single submitter. Criteria: ACMG Guidelines, 2015. Collection method: clinical testing. Allele origin: germline.

Baylor Genetics
Classification: Uncertain significance for Endometrial carcinoma. Last evaluated: 2024-02-20. Review status: criteria provided, single submitter. Criteria: ACMG Guidelines, 2015. Collection method: clinical testing. Allele origin: unknown.

Sema4
Classification: Uncertain significance for Hereditary cancer-predisposing syndrome. Last evaluated: 2022-02-22. Review status: criteria provided, single submitter. Criteria: Sema4 Curation Guidelines. Collection method: curation. Allele origin: germline.
Comment: To the best of our knowledge, the MSH6 c.1729C>G (p.R577G) variant has not been reported in individuals with MSH6-related disease. It was observed in 1/34586 chromosomes of the Latino subpopulation in the large and broad cohorts of the Genome Aggregation Database (PMID: 32461654). This variant has been reported in ClinVar (Variation ID 234864). In silico tools suggest the impact of the variant on protein function is deleterious, though these predictions have not been confirmed by functional studies. The evidence is insufficient to meet ACMG/AMP criteria for classifying the variant as benign or pathogenic. Thus, the clinical significance of this variant is currently uncertain.

Women's Health and Genetics/Laboratory Corporation of America, LabCorp
Classification: Uncertain significance. Last evaluated: 2022-01-26. Review status: criteria provided, single submitter. Criteria: LabCorp Variant Classification Summary - May 2015. Collection method: clinical testing. Allele origin: germline.
Comment: Variant summary: MSH6 c.1729C>G (p.Arg577Gly) results in a non-conservative amino acid change located in the DNA mismatch repair protein MutS, connector domain of the encoded protein sequence. Three of five in-silico tools predict a damaging effect of the variant on protein function. The variant allele was found at a frequency of 4e-06 in 250210 control chromosomes. The available data on variant occurrences in the general population are insufficient to allow any conclusion about variant significance. To our knowledge, no occurrence of c.1729C>G in individuals affected with Hereditary Nonpolyposis Colorectal Cancer and no experimental evidence demonstrating its impact on protein function have been reported. Five clinical diagnostic laboratories have submitted clinical-significance assessments for this variant to ClinVar after 2014 without evidence for independent evaluation. All laboratories classified the variant as uncertain significance. Based on the evidence outlined above, the variant was classified as uncertain significance.

Quest Diagnostics Nichols Institute San Juan Capistrano
Classification: Uncertain significance. Last evaluated: 2016-12-07. Review status: criteria provided, single submitter. Criteria: Quest Diagnostics criteria. Collection method: clinical testing. Allele origin: germline.

PreventionGenetics, part of Exact Sciences
Classification: Uncertain significance for MSH6-related condition. Last evaluated: 2024-08-26. Review status: no assertion criteria provided. Collection method: clinical testing. Allele origin: germline. Not counted in ClinVar's aggregate classification.
Comment: The MSH6 c.1729C>G variant is predicted to result in the amino acid substitution p.Arg577Gly. This variant was identified in an individual with colorectal cancer (Loizidou et al. 2014. PubMed ID: 25133505). This variant is reported in 0.0029% of alleles in individuals of Latino descent in gnomAD and has conflicting interpretations regarding its pathogenicity in ClinVar, ranging from uncertain significance to likely benign. At this time, the clinical significance of this variant is uncertain due to the absence of conclusive functional and genetic evidence.

Literature cited by the submitters: PubMed 25133505 (cited by 3 submitters).

NM_000179.3(MSH6):c.1729C>G (p.Arg577Gly)

Gene: MSH6 (mutS homolog 6; plus strand). Cytogenetic location: 2p16.3.
Variant type: single nucleotide variant.
Coding change: c.1729C>G on transcript NM_000179.3 (MANE Select); coding-DNA position 1729, C replaced by G.
Protein change: p.Arg577Gly; replaces arginine 577 with glycine.
Molecular consequence: missense variant.
Genome position (GRCh38, 1-based): chr2:47,799,712, C>G. VCF-style: chr2-47799712-C-G. GRCh37 (hg19) VCF-style: chr2-48026851-C-G.
Other names: c.1339C>G, p.Arg447Gly (NM_001281492.2); c.823C>G, p.Arg275Gly (NM_001281493.2, NM_001281494.2); short protein forms R577G, R275G, R447G.
Identifiers: ClinVar variation 234864 (VCV000234864.35), dbSNP rs542838372, ClinGen allele CA068077.
Genomic context (GRCh38, chr2:47,799,712, plus strand): 5'-GGTGTGTGCTTTGTTGATACTTCACTGGGAAAGTTTTTCATAGGTCAGTTTTCAGATGAT[C>G]GCCATTGTTCGAGATTTAGGACTCTAGTGGCACACTATCCCCCAGTACAAGTTTTATTTG-3'
Protein context (NP_000170.1, residues 567-587): KFFIGQFSDD[Arg577Gly]HCSRFRTLVA